The following is an entry in ClinVar:

ClinVar aggregate classification (germline): Uncertain significance (1 of 4 stars; one submission).

Conditions:
Neuroblastoma, susceptibility to, 3. Also called: ALK-Related Neuroblastic Tumor Susceptibility. Identifiers: Orphanet 635, MedGen C2751681, MONDO:0013083, OMIM 613014.

Submission:

Labcorp Genetics (formerly Invitae), Labcorp
Classification: Uncertain significance for Neuroblastoma, susceptibility to, 3. Last evaluated: 2020-09-15. Review status: criteria provided, single submitter. Criteria: Invitae Variant Classification Sherloc (09022015). Collection method: clinical testing. Allele origin: germline.
Comment: In summary, the available evidence is currently insufficient to determine the role of this variant in disease. Therefore, it has been classified as a Variant of Uncertain Significance. Algorithms developed to predict the effect of missense changes on protein structure and function are either unavailable or do not agree on the potential impact of this missense change (SIFT: "Tolerated"; PolyPhen-2: "Benign"; Align-GVGD: "Class C0"). This variant has not been reported in the literature in individuals with ALK-related conditions. This variant is not present in population databases (ExAC no frequency). This sequence change replaces serine with arginine at codon 531 of the ALK protein (p.Ser531Arg). The serine residue is moderately conserved and there is a moderate physicochemical difference between serine and arginine.

NM_004304.5(ALK):c.1593T>G (p.Ser531Arg)

Gene: ALK (ALK receptor tyrosine kinase; minus strand). Cytogenetic location: 2p23.2.
Variant type: single nucleotide variant.
Coding change: c.1593T>G on transcript NM_004304.5 (MANE Select); coding-DNA position 1593, T replaced by G.
Protein change: p.Ser531Arg; replaces serine 531 with arginine.
Molecular consequence: missense variant.
Genome position (GRCh38, 1-based): chr2:29,318,358, A>C on the plus strand (T>G on the coding strand, the complement: ALK is on the minus strand). VCF-style: chr2-29318358-A-C. GRCh37 (hg19) VCF-style: chr2-29541224-A-C.
Other names: short protein forms S531R.
Identifiers: ClinVar variation 969796 (VCV000969796.9), dbSNP rs763979460, ClinGen allele CA346471129.
Genomic context (GRCh38, chr2:29,318,358, plus strand): 5'-ACTTGCCTCACATGGAGAGCTCTTGATCGGTGCAGGAAACGTAGCACTGGTCACTGTAGC[A>C]CTTTCAGAAGCGGGGACATCAGTGGTACTGAGCAATAGAGCATGGTCTAGGAGAGAGGAA-3'
Protein context (NP_004295.2, residues 521-541): LSTTDVPASE[Ser531Arg]ATVTSATFPA